The following is an entry in ClinVar:

ClinVar aggregate classification (germline): Uncertain significance (1 of 4 stars; one submission).

Allele frequency attached by ClinVar (database versions not stated): TOPMed below 0.00001; gnomAD exomes 0.00001; ExAC 0.00002.
gnomAD v4.1: 4 of 1,614,084 alleles (0.00025%); highest among the groups gnomAD compares: Admixed American, 0.0067%; no homozygotes.

Submission:

Labcorp Genetics (formerly Invitae), Labcorp
Classification: Uncertain significance. Last evaluated: 2022-05-07. Review status: criteria provided, single submitter. Criteria: Invitae Variant Classification Sherloc (09022015). Collection method: clinical testing. Allele origin: germline.
Comment: This sequence change replaces proline, which is neutral and non-polar, with serine, which is neutral and polar, at codon 244 of the POLR1C protein (p.Pro244Ser). This variant is present in population databases (rs779322593, gnomAD 0.009%). This variant has not been reported in the literature in individuals affected with POLR1C-related conditions. Algorithms developed to predict the effect of missense changes on protein structure and function are either unavailable or do not agree on the potential impact of this missense change (SIFT: "Not Available"; PolyPhen-2: "Possibly Damaging"; Align-GVGD: "Not Available"). In summary, the available evidence is currently insufficient to determine the role of this variant in disease. Therefore, it has been classified as a Variant of Uncertain Significance.

NM_203290.4(POLR1C):c.730C>T (p.Pro244Ser)

Gene: POLR1C (RNA polymerase I and III subunit C; plus strand). Cytogenetic location: 6p21.1.
Variant type: single nucleotide variant.
Coding change: c.730C>T on transcript NM_203290.4 (MANE Select); coding-DNA position 730, C replaced by T.
Protein change: p.Pro244Ser; replaces proline 244 with serine.
Molecular consequence: missense variant.
Genome position (GRCh38, 1-based): chr6:43,520,699, C>T. VCF-style: chr6-43520699-C-T. GRCh37 (hg19) VCF-style: chr6-43488437-C-T.
Other names: c.730C>T, p.Pro244Ser (NM_001318876.2, NM_001363658.2); short protein forms P244S.
Identifiers: ClinVar variation 2066761 (VCV002066761.1), dbSNP rs779322593, ClinGen allele CA3825553.
Genomic context (GRCh38, chr6:43,520,699, plus strand): 5'-AAGTTTTCACCAGTGGCAACAGCCAGTTACAGGCTCCTGCCAGACATCACCCTGCTTGAG[C>T]CCGTGGAAGGGGAGGCAGCTGAGGAGTTGAGCAGGTGCTTCTCACCTGGTGTTATTGAGG-3'
Protein context (NP_976035.1, residues 234-254): RLLPDITLLE[Pro244Ser]VEGEAAEELS